The following is an entry in ClinVar:

NM_182931.3(KMT2E):c.418G>A (p.Val140Ile)

Gene: KMT2E (lysine methyltransferase 2E (inactive); plus strand). Cytogenetic location: 7q22.3.
Variant type: single nucleotide variant.
Coding change: c.418G>A on transcript NM_182931.3 (MANE Select); coding-DNA position 418, G replaced by A.
Protein change: p.Val140Ile; replaces valine 140 with isoleucine.
Molecular consequence: missense variant.
Genome position (GRCh38, 1-based): chr7:105,066,728, G>A. VCF-style: chr7-105066728-G-A. GRCh37 (hg19) VCF-style: chr7-104707175-G-A.
Other names: c.418G>A, p.Val140Ile (NM_018682.4); c.418G>A (NM_018682.3); short protein forms V140I.
Identifiers: ClinVar variation 638175 (VCV000638175.10), dbSNP rs74375534, ClinGen allele CA368774871.

ClinVar aggregate classification (germline): Conflicting classifications of pathogenicity. Review status: criteria provided, conflicting classifications (1 of 4 stars). 4 submissions from 4 submitters: Likely pathogenic (1); Uncertain significance (2). 1 of the submissions does not count toward it. Last evaluated 2024-03-25.

Conditions:
O'Donnell-Luria-Rodan syndrome (ODLURO). Also called: KMT2E-Related Neurodevelopmental Disorder. Identifiers: MedGen C5193138, MONDO:0032793, OMIM 618512.

Allele frequency attached by ClinVar (database versions not stated): gnomAD exomes below 0.00001.

Submissions (4):

Genomic Medicine Center of Excellence, King Faisal Specialist Hospital and Research Centre
Classification: Likely pathogenic for O'Donnell-Luria-Rodan syndrome. Last evaluated: 2024-03-25. Review status: criteria provided, single submitter. Criteria: ACMG Guidelines, 2015. Collection method: clinical testing. Allele origin: germline.

Labcorp Genetics (formerly Invitae), Labcorp
Classification: Uncertain significance. Last evaluated: 2022-08-31. Review status: criteria provided, single submitter. Criteria: Invitae Variant Classification Sherloc (09022015). Collection method: clinical testing. Allele origin: germline.
Comment: Algorithms developed to predict the effect of missense changes on protein structure and function (SIFT, PolyPhen-2, Align-GVGD) all suggest that this variant is likely to be tolerated. This sequence change replaces valine, which is neutral and non-polar, with isoleucine, which is neutral and non-polar, at codon 140 of the KMT2E protein (p.Val140Ile). This variant is not present in population databases (gnomAD no frequency). This missense change has been observed in individual(s) with neurodevelopmental disorder (PMID: 31079897). In at least one individual the variant was observed to be de novo. ClinVar contains an entry for this variant (Variation ID: 638175). In summary, the available evidence is currently insufficient to determine the role of this variant in disease. Therefore, it has been classified as a Variant of Uncertain Significance.

Broad Center for Mendelian Genomics, Broad Institute of MIT and Harvard
Classification: Uncertain significance. Last evaluated: 2019-02-07. Review status: criteria provided, single submitter. Criteria: ACMG Guidelines, 2015. Collection method: research. Allele origin: de novo. Inheritance: Autosomal dominant inheritance. Affected: yes.
Comment: The p.Val140Ile variant in KMT2E has not been previously reported in individuals with developmental delay, epilepsy, or autism and was absent from large population studies. Computational prediction tools and conservation analyses do not provide strong support for or against an impact to the protein. This alteration is then predicted to lead to a truncated or absent protein. It is of note, that loss of function of the KMT2E gene in autosomal dominant disease has not yet been established based on the criteria laid out in Tayoun, 2018 (PMID: 30192042). In summary, the clinical significance of the p.Val140Ile variant is uncertain.

OMIM
Classification: Pathogenic for O'DONNELL-LURIA-RODAN SYNDROME. Last evaluated: 2019-07-25. Review status: no assertion criteria provided. Collection method: literature only. Allele origin: germline. Not counted in ClinVar's aggregate classification.

Literature cited by the submitters: PubMed 31079897 (cited by Labcorp Genetics (formerly Invitae), Labcorp and OMIM).